The following is an entry in ClinVar:

ClinVar aggregate classification (germline): Uncertain significance (1 of 4 stars; one submission).

Conditions:
Hermansky-Pudlak syndrome 2 (HPS2). Also called: Platelet defects and oculocutaneous albinism. Identifiers: Orphanet 183678, Orphanet 79430, MedGen C1842362, MONDO:0011997, OMIM 608233.

Allele frequency attached by ClinVar (database versions not stated): gnomAD 0.00001; 1000 Genomes Project 30x 0.00016; gnomAD exomes below 0.00001; 1000 Genomes Project 0.00020.
gnomAD v4.1: 3 of 1,614,172 alleles (0.00019%); highest among the groups gnomAD compares: East Asian, 0.0045%; no homozygotes.

Submission:

Labcorp Genetics (formerly Invitae), Labcorp
Classification: Uncertain significance for Hermansky-Pudlak syndrome 2. Last evaluated: 2020-03-25. Review status: criteria provided, single submitter. Criteria: Invitae Variant Classification Sherloc (09022015). Collection method: clinical testing. Allele origin: germline.
Comment: This sequence change replaces proline with alanine at codon 1089 of the AP3B1 protein (p.Pro1089Ala). The proline residue is moderately conserved and there is a small physicochemical difference between proline and alanine. This variant is not present in population databases (ExAC no frequency). This variant has not been reported in the literature in individuals with AP3B1-related conditions. Algorithms developed to predict the effect of missense changes on protein structure and function are either unavailable or do not agree on the potential impact of this missense change (SIFT: "Tolerated"; PolyPhen-2: "Possibly Damaging"; Align-GVGD: "Class C0"). In summary, the available evidence is currently insufficient to determine the role of this variant in disease. Therefore, it has been classified as a Variant of Uncertain Significance.

NM_003664.5(AP3B1):c.3265C>G (p.Pro1089Ala)

Gene: AP3B1 (adaptor related protein complex 3 subunit beta 1; minus strand). Cytogenetic location: 5q14.1.
Variant type: single nucleotide variant.
Coding change: c.3265C>G on transcript NM_003664.5 (MANE Select); coding-DNA position 3265, C replaced by G.
Protein change: p.Pro1089Ala; replaces proline 1089 with alanine.
Molecular consequence: missense variant.
Genome position (GRCh38, 1-based): chr5:78,002,922, G>C on the plus strand (C>G on the coding strand, the complement: AP3B1 is on the minus strand). VCF-style: chr5-78002922-G-C. GRCh37 (hg19) VCF-style: chr5-77298746-G-C.
Other names: c.3118C>G, p.Pro1040Ala (NM_001271769.2); short protein forms P1040A, P1089A.
Identifiers: ClinVar variation 1062450 (VCV001062450.8), dbSNP rs137901104, ClinGen allele CA121591471.
Genomic context (GRCh38, chr5:78,002,922, plus strand): 5'-TTTGTTGTGTGCCAGATTCTAAAGTCCAGATGTAAGCAGGTTACCCCTGAGACAGGACAG[G>C]CTTCAGTTCCCGCAGCAGAACAGAGCCAATCACAGTTTTCTCAGTGTTTATGATAAGCTG-3'
Protein context (NP_003655.3, residues 1079-1094): IGSVLLRELK[Pro1089Ala]VLSQG